The following is an entry in ClinVar:

ClinVar aggregate classification (germline): Uncertain significance (1 of 4 stars; one submission).

Conditions:
PTH1R-related disorder. Also called: PTH1R-related condition.

Submission:

PreventionGenetics, part of Exact Sciences
Classification: Uncertain significance for PTH1R-related condition. Last evaluated: 2025-04-22. Review status: criteria provided, single submitter. Criteria: ACMG Guidelines, 2015. Collection method: clinical testing. Allele origin: germline.
Comment: The PTH1R c.391T>C variant is predicted to result in the amino acid substitution p.Cys131Arg. To our knowledge, this variant has not been reported in the literature or in a large population database (gnomAD), indicating this variant is rare. At PreventionGenetics, this variant has been identified in three related individuals with ankylosed teeth. Although we suspect that this variant may be pathogenic, at this time, the clinical significance of this variant is uncertain due to the absence of conclusive functional and genetic evidence.

NM_000316.3(PTH1R):c.391T>C (p.Cys131Arg)

Genes: PTH1R (parathyroid hormone 1 receptor; plus strand), LOC129936652 (ATAC-STARR-seq lymphoblastoid silent region 14297; plus strand). Cytogenetic location: 3p21.31.
Variant type: single nucleotide variant.
Coding change: c.391T>C on transcript NM_000316.3 (MANE Select); coding-DNA position 391, T replaced by C.
Protein change: p.Cys131Arg; replaces cysteine 131 with arginine.
Molecular consequence: missense variant.
Genome position (GRCh38, 1-based): chr3:46,897,932, T>C. VCF-style: chr3-46897932-T-C. GRCh37 (hg19) VCF-style: chr3-46939422-T-C.
Other names: c.391T>C, p.Cys131Arg (NM_001184744.1); short protein forms C131R.
Identifiers: ClinVar variation 5000312 (VCV005000312.1).